The following is an entry in ClinVar:

ClinVar aggregate classification (germline): Uncertain significance (1 of 4 stars; one submission).

Submission:

Ambry Genetics
Classification: Uncertain significance. Last evaluated: 2024-11-17. Review status: criteria provided, single submitter. Criteria: Ambry Variant Classification Scheme 2023. Collection method: clinical testing. Allele origin: germline.
Comment: The p.E1889D variant (also known as c.5667G>T), located in coding exon 22 of the WNK2 gene, results from a G to T substitution at nucleotide position 5667. The glutamic acid at codon 1889 is replaced by aspartic acid, an amino acid with highly similar properties. This amino acid position is conserved. In addition, the in silico prediction for this alteration is inconclusive. Based on the available evidence, the clinical significance of this variant remains unclear.

NM_006648.4(WNK2):c.5667G>T (p.Glu1889Asp)

Gene: WNK2 (WNK lysine deficient protein kinase 2; plus strand). Cytogenetic location: 9q22.31.
Variant type: single nucleotide variant.
Coding change: c.5667G>T on transcript NM_006648.4 (MANE Select); coding-DNA position 5667, G replaced by T.
Protein change: p.Glu1889Asp; replaces glutamic acid 1889 with aspartic acid.
Molecular consequence: missense variant.
Genome position (GRCh38, 1-based): chr9:93,293,132, G>T. VCF-style: chr9-93293132-G-T. GRCh37 (hg19) VCF-style: chr9-96055414-G-T.
Other names: c.5778G>T, p.Glu1926Asp (NM_001282394.3); short protein forms E1926D, E1889D.
Identifiers: ClinVar variation 3470136 (VCV003470136.1).
Genomic context (GRCh38, chr9:93,293,132, plus strand): 5'-CGTGACCTCCTTCCATTCCCAGTCGTCCTACATCAGCAGCGACAATGATTCGGAGCTCGA[G>T]GATGCTGACATAAAGAAGGAGCTGCAGAGTCTGCGGGAGAAGTAGGTCCTGCGGGCAGGA-3'
Protein context (NP_006639.3, residues 1879-1899): YISSDNDSEL[Glu1889Asp]DADIKKELQS